The following is an entry in ClinVar:

NM_152305.3(POGLUT1):c.67G>A (p.Gly23Ser)

Gene: POGLUT1 (protein O-glucosyltransferase 1; plus strand). Cytogenetic location: 3q13.33.
Variant type: single nucleotide variant.
Coding change: c.67G>A on transcript NM_152305.3 (MANE Select); coding-DNA position 67, G replaced by A.
Protein change: p.Gly23Ser; replaces glycine 23 with serine.
Molecular consequence: missense variant. On other transcripts: non-coding transcript variant (1).
Genome position (GRCh38, 1-based): chr3:119,469,088, G>A. VCF-style: chr3-119469088-G-A. GRCh37 (hg19) VCF-style: chr3-119187935-G-A.
Other names: short protein forms G23S.
Identifiers: ClinVar variation 1417683 (VCV001417683.8), dbSNP rs780241513, ClinGen allele CA2554713.

ClinVar aggregate classification (germline): Uncertain significance (1 of 4 stars; one submission).

Allele frequency attached by ClinVar (database versions not stated): ExAC 0.00002; gnomAD 0.00002; TOPMed 0.00002; gnomAD exomes 0.00004.

Submission:

Labcorp Genetics (formerly Invitae), Labcorp
Classification: Uncertain significance. Last evaluated: 2026-02-01. Review status: criteria provided, single submitter. Criteria: Invitae Variant Classification Sherloc (09022015). Collection method: clinical testing. Allele origin: germline.
Comment: This sequence change replaces glycine, which is neutral and non-polar, with serine, which is neutral and polar, at codon 23 of the POGLUT1 protein (p.Gly23Ser). This variant is present in population databases (rs780241513, gnomAD 0.03%). This variant has not been reported in the literature in individuals affected with POGLUT1-related conditions. ClinVar contains an entry for this variant (Variation ID: 1417683). An algorithm developed to predict the effect of missense changes on protein structure and function (PolyPhen-2) suggests that this variant is likely to be tolerated. In summary, the available evidence is currently insufficient to determine the role of this variant in disease. Therefore, it has been classified as a Variant of Uncertain Significance.